The following is an entry in ClinVar:

ClinVar aggregate classification (germline): Benign/Likely benign. Review status: criteria provided, multiple submitters, no conflicts (2 of 4 stars). 3 submissions from 3 submitters: Benign (1); Likely benign (1). 1 of the submissions does not count toward it. Last evaluated 2022-08-02.

Conditions:
KMT2D-related disorder. Also called: KMT2D-Related Disorders.

Allele frequency attached by ClinVar (database versions not stated): gnomAD exomes 0.00003 and 0.00008; 1000 Genomes Project 30x 0.00016; 1000 Genomes Project 0.00020; gnomAD 0.00039 and 0.00042; ESP Exome Variant Server 0.00040; TOPMed 0.00065.
gnomAD v4.1: 113 of 1,613,794 alleles (0.007%); highest among the groups gnomAD compares: African/African-American, 0.1%; no homozygotes.

Submissions (3):

Blueprint Genetics
Classification: Likely benign. Last evaluated: 2022-08-02. Review status: criteria provided, single submitter. Criteria: ACMG Guidelines, 2015. Collection method: clinical testing. Allele origin: germline.

GeneDx
Classification: Benign. Last evaluated: 2020-04-12. Review status: criteria provided, single submitter. Criteria: GeneDx Variant Classification Process June 2021. Collection method: clinical testing. Allele origin: germline. Affected: yes.

PreventionGenetics, part of Exact Sciences
Classification: Likely benign for KMT2D-related condition. Last evaluated: 2022-01-31. Review status: no assertion criteria provided. Collection method: clinical testing. Allele origin: germline. Not counted in ClinVar's aggregate classification.
Comment: This variant is classified as likely benign based on ACMG/AMP sequence variant interpretation guidelines (Richards et al. 2015 PMID: 25741868, with internal and published modifications).

NM_003482.4(KMT2D):c.3181G>T (p.Val1061Leu)

Gene: KMT2D (lysine methyltransferase 2D; minus strand). Cytogenetic location: 12q13.12.
Variant type: single nucleotide variant.
Coding change: c.3181G>T on transcript NM_003482.4 (MANE Select); coding-DNA position 3181, G replaced by T.
Protein change: p.Val1061Leu; replaces valine 1061 with leucine.
Molecular consequence: missense variant.
Genome position (GRCh38, 1-based): chr12:49,050,407, C>A on the plus strand (G>T on the coding strand, the complement: KMT2D is on the minus strand). VCF-style: chr12-49050407-C-A. GRCh37 (hg19) VCF-style: chr12-49444190-C-A.
Other names: short protein forms V1061L.
Identifiers: ClinVar variation 309073 (VCV000309073.6), dbSNP rs200450910, ClinGen allele CA6548102.